The following is an entry in ClinVar:

NM_000548.5(TSC2):c.1753_1754del (p.Arg585fs)

Gene: TSC2 (TSC complex subunit 2; plus strand). Cytogenetic location: 16p13.3.
Variant type: Microsatellite.
Coding change: c.1753_1754del on transcript NM_000548.5 (MANE Select); coding-DNA positions 1753 to 1754, 2 bases deleted (CG; older notation c.1753_1754delCG).
Protein change: p.Arg585fs; shifts the reading frame from arginine 585.
Molecular consequence: frameshift variant.
Genome position (GRCh38, 1-based): chr16:2,070,492-2,070,493, CG deleted; deleting any 2 consecutive bases within chr16:2,070,490-2,070,493 gives the same sequence; the c. name uses the placement nearest the transcript's 3' end. VCF-style (leftmost placement, unchanged base first): chr16-2070489-ACG-A. GRCh37 (hg19) VCF-style: chr16-2120490-ACG-A.
Other names: c.1751_1752CG[1], p.Arg585Cysfs (NM_000548.3, NM_001406663.1, NM_001406664.1 and 1 more transcripts); c.1753_1754del, p.Arg585fs (NM_001077183.3, NM_001114382.3, NM_001363528.2 and 3 more transcripts); c.1642_1643del, p.Arg548fs (NM_001318827.2); c.1606_1607del, p.Arg536fs (NM_001318829.2); c.1153_1154del, p.Arg385fs (NM_001318831.2); c.1786_1787del, p.Arg596fs (NM_001318832.2); c.1841_1842CG[1], p.Arg615Cysfs (NM_001406667.1, NM_001406668.1); c.1640_1641CG[1], p.Arg548Cysfs (NM_001406670.1, NM_001406678.1); and 8 more; short protein forms R385fs, R536fs, R548fs, R585fs, R596fs.
Identifiers: ClinVar variation 1779425 (VCV001779425.5), dbSNP rs2543625009, ClinGen allele CA2580612690.

ClinVar aggregate classification (germline): Pathogenic. Review status: criteria provided, multiple submitters, no conflicts (2 of 4 stars). 2 submissions from 2 submitters: Pathogenic (2). Last evaluated 2023-07-29.

Conditions:
Hereditary cancer-predisposing syndrome. Also called: Tumor predisposition; Neoplastic Syndromes, Hereditary; Hereditary Cancer Syndrome; Hereditary neoplastic syndrome. Identifiers: Orphanet 140162, MedGen C0027672, MeSH D009386, MONDO:0015356.
Tuberous sclerosis 2 (TSC2). Identifiers: Orphanet 805, MedGen C1860707, MONDO:0013199, OMIM 613254.

Submissions (2):

Labcorp Genetics (formerly Invitae), Labcorp
Classification: Pathogenic for Tuberous sclerosis 2. Last evaluated: 2023-07-29. Review status: criteria provided, single submitter. Criteria: Invitae Variant Classification Sherloc (09022015). Collection method: clinical testing. Allele origin: germline.
Comment: ClinVar contains an entry for this variant (Variation ID: 1779425). This variant has not been reported in the literature in individuals affected with TSC2-related conditions. This variant is not present in population databases (gnomAD no frequency). This sequence change creates a premature translational stop signal (p.Arg585Cysfs*3) in the TSC2 gene. It is expected to result in an absent or disrupted protein product. Loss-of-function variants in TSC2 are known to be pathogenic (PMID: 10205261, 17304050). For these reasons, this variant has been classified as Pathogenic.

Ambry Genetics
Classification: Pathogenic for Hereditary cancer-predisposing syndrome. Last evaluated: 2019-09-20. Review status: criteria provided, single submitter. Criteria: Ambry Variant Classification Scheme 2023. Collection method: clinical testing. Allele origin: germline.
Comment: The c.1753_1754delCG pathogenic mutation, located in coding exon 16 of the TSC2 gene, results from a deletion of two nucleotides at nucleotide positions 1753 to 1754, causing a translational frameshift with a predicted alternate stop codon (p.R585Cfs*3). This alteration is expected to result in loss of function by premature protein truncation or nonsense-mediated mRNA decay. As such, this alteration is interpreted as a disease-causing mutation.

Literature cited by the submitters: PubMed 10205261 (cited by Labcorp Genetics (formerly Invitae), Labcorp); PubMed 17304050 (cited by Labcorp Genetics (formerly Invitae), Labcorp).